The following is an entry in ClinVar:

ClinVar aggregate classification (germline): Uncertain significance. Review status: criteria provided, multiple submitters, no conflicts (2 of 4 stars). 3 submissions from 3 submitters: Uncertain significance (3). Last evaluated 2026-08-07.

Conditions:
Hereditary cancer-predisposing syndrome. Also called: Neoplastic Syndromes, Hereditary; Hereditary neoplastic syndrome; Hereditary Cancer Syndrome; Tumor predisposition. Identifiers: Orphanet 140162, MedGen C0027672, MeSH D009386, MONDO:0015356.
Cardiovascular phenotype. Identifiers: MedGen CN230736.
Neurofibromatosis, type 1 (NF1). Also called: VON RECKLINGHAUSEN DISEASE; Neurofibromatosis, type I; Peripheral type neurofibromatosis; NEUROFIBROMATOSIS, TYPE I, SOMATIC. Identifiers: Orphanet 636, MedGen C0027831, MONDO:0018975, OMIM 162200. Disease mechanism: loss of function.

Submissions (3):

Ambry Genetics
Classification: Uncertain significance for Cardiovascular phenotype; Hereditary cancer-predisposing syndrome. Last evaluated: 2026-08-07. Review status: criteria provided, single submitter. Criteria: Ambry Variant Classification Scheme 2023. Collection method: clinical testing. Allele origin: germline.
Comment: The p.G1417S variant (also known as c.4249G>A), located in coding exon 31 of the NF1 gene, results from a G to A substitution at nucleotide position 4249. The glycine at codon 1417 is replaced by serine, an amino acid with similar properties. This amino acid position is highly conserved in available vertebrate species. In addition, this alteration is predicted to be deleterious by in silico analysis. Based on the available evidence, the clinical significance of this variant remains unclear.

Genome-Nilou Lab
Classification: Uncertain significance for Neurofibromatosis, type 1. Last evaluated: 2022-03-15. Review status: criteria provided, single submitter. Criteria: ACMG Guidelines, 2015. Collection method: clinical testing. Allele origin: germline. Affected: no.

Labcorp Genetics (formerly Invitae), Labcorp
Classification: Uncertain significance for Neurofibromatosis, type 1. Last evaluated: 2021-04-15. Review status: criteria provided, single submitter. Criteria: Invitae Variant Classification Sherloc (09022015). Collection method: clinical testing. Allele origin: germline.
Comment: In summary, the available evidence is currently insufficient to determine the role of this variant in disease. Therefore, it has been classified as a Variant of Uncertain Significance. Algorithms developed to predict the effect of missense changes on protein structure and function are either unavailable or do not agree on the potential impact of this missense change (SIFT: "Tolerated"; PolyPhen-2: "Probably Damaging"; Align-GVGD: "Class C0"). This variant has not been reported in the literature in individuals with NF1-related conditions. ClinVar contains an entry for this variant (Variation ID: 484098). This variant is not present in population databases (ExAC no frequency). This sequence change replaces glycine with serine at codon 1417 of the NF1 protein (p.Gly1417Ser). The glycine residue is moderately conserved and there is a small physicochemical difference between glycine and serine.

NM_001042492.3(NF1):c.4312G>A (p.Gly1438Ser)

Gene: NF1 (neurofibromin 1; plus strand). Cytogenetic location: 17q11.2.
Variant type: single nucleotide variant.
Coding change: c.4312G>A on transcript NM_001042492.3 (MANE Select); coding-DNA position 4312, G replaced by A.
Protein change: p.Gly1438Ser; replaces glycine 1438 with serine.
Molecular consequence: missense variant.
Genome position (GRCh38, 1-based): chr17:31,258,482, G>A. VCF-style: chr17-31258482-G-A. GRCh37 (hg19) VCF-style: chr17-29585500-G-A.
Other names: c.4249G>A, p.Gly1417Ser (NM_000267.4); short protein forms G1438S, G1417S.
Identifiers: ClinVar variation 484098 (VCV000484098.15), dbSNP rs1555618559, ClinGen allele CA398998111.